The following is an entry in ClinVar:

NM_001378328.1(CELSR1):c.6GCC[6] (p.Pro7_Val8insPro)

Gene: CELSR1 (cadherin EGF LAG seven-pass G-type receptor 1; minus strand). Cytogenetic location: 22q13.31.
Variant type: Microsatellite.
Coding change: c.6GCC[6] on transcript NM_001378328.1 (MANE Select); six copies in a row of the 3-base unit GCC starting at c.6; the reference has five copies in a row; one copy, 3 bases duplicated.
Protein change: p.Pro7_Val8insPro.
Molecular consequence: inframe insertion.
Genome position (GRCh38, 1-based): chr22:46,537,151-46,537,153, GGC duplicated on the plus strand (GCC on the coding strand, the reverse complement: CELSR1 is on the minus strand); duplicating any 3 consecutive bases within chr22:46,537,151-46,537,166 gives the same sequence; the position shown is the placement nearest the transcript's 3' end. VCF-style (leftmost placement, unchanged base first): chr22-46537150-G-GGGC. GRCh37 (hg19) VCF-style: chr22-46933047-G-GGGC.
Other names: c.6GCC[6], p.Pro7_Val8insPro (NM_014246.4).
Identifiers: ClinVar variation 5008618 (VCV005008618.1).
Genomic context (GRCh38, chr22:46,537,150, plus strand): 5'-TCGCAGCCCCATCGCCGGCAGGGCGGCGGCGGCGGCCAGGAGCAGCAGCACGGGCAGCAC[G>GGGC]GGCGGCGGCGGCGGCGCCATGGCCCGGAGCCCGAGCCCGAGCCGGGCGCCCGAACACAAT-3'

ClinVar aggregate classification (germline): Uncertain significance (1 of 4 stars; one submission).

Submission:

GeneDx
Classification: Uncertain significance. Last evaluated: 2026-03-05. Review status: criteria provided, single submitter. Criteria: GeneDx Variant Classification Process June 2021. Collection method: clinical testing. Allele origin: germline.
Comment: Not observed at significant frequency in large population cohorts (gnomAD); In-frame duplication of 1 amino acid(s) in a non-repeat region; Has not been previously published as pathogenic or benign to our knowledge